The following is an entry in ClinVar:

NM_015693.4(INTU):c.1181+6T>C

Gene: INTU (inturned planar cell polarity protein; plus strand). Cytogenetic location: 4q28.1.
Variant type: single nucleotide variant.
Coding change: c.1181+6T>C on transcript NM_015693.4 (MANE Select); 6 bases into the intron after coding-DNA position 1181, T replaced by C.
Molecular consequence: intron variant.
Genome position (GRCh38, 1-based): chr4:127,674,219, T>C. VCF-style: chr4-127674219-T-C. GRCh37 (hg19) VCF-style: chr4-128595374-T-C.
Identifiers: ClinVar variation 2113233 (VCV002113233.4), dbSNP rs1382835685, ClinGen allele CA554731104.

ClinVar aggregate classification (germline): Uncertain significance (1 of 4 stars; one submission).

Allele frequency attached by ClinVar (database versions not stated): gnomAD exomes below 0.00001; TOPMed below 0.00001; gnomAD 0.00001.
gnomAD v4.1: 2 of 1,597,040 alleles (0.00013%); highest among the groups gnomAD compares: African/African-American, 0.0013%; no homozygotes.

Submission:

Labcorp Genetics (formerly Invitae), Labcorp
Classification: Uncertain significance. Last evaluated: 2022-03-17. Review status: criteria provided, single submitter. Criteria: Invitae Variant Classification Sherloc (09022015). Collection method: clinical testing. Allele origin: germline.
Comment: Variants that disrupt the consensus splice site are a relatively common cause of aberrant splicing (PMID: 17576681, 9536098). Algorithms developed to predict the effect of sequence changes on RNA splicing suggest that this variant may disrupt the consensus splice site. In summary, the available evidence is currently insufficient to determine the role of this variant in disease. Therefore, it has been classified as a Variant of Uncertain Significance. This variant has not been reported in the literature in individuals affected with INTU-related conditions. The frequency data for this variant in the population databases is considered unreliable, as metrics indicate poor data quality at this position in the gnomAD database. This sequence change falls in intron 6 of the INTU gene. It does not directly change the encoded amino acid sequence of the INTU protein. It affects a nucleotide within the consensus splice site.

Literature cited by the submitters: PubMed 17576681; PubMed 9536098.